The following is an entry in ClinVar:

ClinVar aggregate classification (germline): Likely benign. Review status: criteria provided, multiple submitters, no conflicts (2 of 4 stars). 5 submissions from 5 submitters: Likely benign (4). 1 of the submissions does not count toward it. Last evaluated 2025-06-09.

Conditions:
ANKRD11-related disorder. Also called: ANKRD11-related condition.
KBG syndrome (KBGS). Also called: ANKRD11-Related KBG Syndrome. Identifiers: Orphanet 2332, MedGen C0220687, MONDO:0007846, OMIM 148050.

Allele frequency attached by ClinVar (database versions not stated): gnomAD 0.00006; gnomAD exomes 0.00009 and 0.00015; TOPMed 0.00009; ExAC 0.00016.
gnomAD v4.1: 145 of 1,613,732 alleles (0.009%); highest among the groups gnomAD compares: East Asian, 0.042%; no homozygotes.

Submissions (5):

Labcorp Genetics (formerly Invitae), Labcorp
Classification: Likely benign for KBG syndrome. Last evaluated: 2025-06-09. Review status: criteria provided, single submitter. Criteria: Invitae Variant Classification Sherloc (09022015). Collection method: clinical testing. Allele origin: germline.

CeGaT Center for Human Genetics Tuebingen
Classification: Likely benign. Last evaluated: 2025-05-01. Review status: criteria provided, single submitter. Criteria: CeGaT Center For Human Genetics Tuebingen Variant Classification Criteria Version 2. Collection method: clinical testing. Allele origin: germline. Affected: yes. Observed: 7 variant alleles.
Comment: ANKRD11: BP4, BP7

Blueprint Genetics
Classification: Likely benign. Last evaluated: 2024-11-25. Review status: criteria provided, single submitter. Criteria: ACMG Guidelines, 2015. Collection method: clinical testing. Allele origin: germline.

GeneDx
Classification: Likely benign. Last evaluated: 2020-09-04. Review status: criteria provided, single submitter. Criteria: GeneDx Variant Classification Process June 2021. Collection method: clinical testing. Allele origin: germline. Affected: yes.

PreventionGenetics, part of Exact Sciences
Classification: Likely benign for ANKRD11-related condition. Last evaluated: 2019-03-29. Review status: no assertion criteria provided. Collection method: clinical testing. Allele origin: germline. Not counted in ClinVar's aggregate classification.
Comment: This variant is classified as likely benign based on ACMG/AMP sequence variant interpretation guidelines (Richards et al. 2015 PMID: 25741868, with internal and published modifications).

NM_013275.6(ANKRD11):c.2445C>T (p.Asp815=)

Gene: ANKRD11 (ankyrin repeat domain 11; minus strand). Cytogenetic location: 16q24.3.
Variant type: single nucleotide variant.
Coding change: c.2445C>T on transcript NM_013275.6 (MANE Select); coding-DNA position 2445, C replaced by T.
Protein change: p.Asp815=; no amino-acid change (aspartic acid 815 retained).
Molecular consequence: synonymous variant.
Genome position (GRCh38, 1-based): chr16:89,284,097, G>A on the plus strand (C>T on the coding strand, the complement: ANKRD11 is on the minus strand). VCF-style: chr16-89284097-G-A. GRCh37 (hg19) VCF-style: chr16-89350505-G-A.
Other names: c.2445C>T, p.Asp815= (NM_001256182.2, NM_001256183.2).
Identifiers: ClinVar variation 916432 (VCV000916432.50), dbSNP rs750756249, ClinGen allele CA8242575.